The following is an entry in ClinVar:

NM_001330588.2(TPP2):c.1821A>G (p.Gly607=)

Gene: TPP2 (tripeptidyl peptidase 2; plus strand). Cytogenetic location: 13q33.1.
Variant type: single nucleotide variant.
Coding change: c.1821A>G on transcript NM_001330588.2 (MANE Select); coding-DNA position 1821, A replaced by G.
Protein change: p.Gly607=; no amino-acid change (glycine 607 retained).
Molecular consequence: synonymous variant. On other transcripts: non-coding transcript variant (1).
Genome position (GRCh38, 1-based): chr13:102,637,224, A>G. VCF-style: chr13-102637224-A-G. GRCh37 (hg19) VCF-style: chr13-103289574-A-G.
Other names: c.1821A>G, p.Gly607= (NM_001367947.1, NM_003291.4).
Identifiers: ClinVar variation 2906160 (VCV002906160.3), dbSNP rs1330840477, ClinGen allele CA484776013.

ClinVar aggregate classification (germline): Uncertain significance (1 of 4 stars; one submission).

Conditions:
Evans syndrome, immunodeficiency, and premature immunosenescence associated with tripeptidyl-peptidase II deficiency. Identifiers: MedGen CN231723. Disease mechanism: loss of function.

Allele frequency attached by ClinVar (database versions not stated): gnomAD exomes 0.00001; TOPMed 0.00002.
gnomAD v4.1: 7 of 1,604,120 alleles (0.00044%); highest among the groups gnomAD compares: African/African-American, 0.004%; no homozygotes.

Submission:

Labcorp Genetics (formerly Invitae), Labcorp
Classification: Uncertain significance for Evans syndrome, immunodeficiency, and premature immunosenescence associated with tripeptidyl-peptidase II deficiency. Last evaluated: 2022-10-30. Review status: criteria provided, single submitter. Criteria: Invitae Variant Classification Sherloc (09022015). Collection method: clinical testing. Allele origin: germline.
Comment: In summary, the available evidence is currently insufficient to determine the role of this variant in disease. Therefore, it has been classified as a Variant of Uncertain Significance. Algorithms developed to predict the effect of sequence changes on RNA splicing suggest that this variant may disrupt the consensus splice site. This variant has not been reported in the literature in individuals affected with TPP2-related conditions. This variant is present in population databases (no rsID available, gnomAD 0.007%). This sequence change affects codon 607 of the TPP2 mRNA. It is a 'silent' change, meaning that it does not change the encoded amino acid sequence of the TPP2 protein.